The following is an entry in ClinVar:

NM_017780.4(CHD7):c.6305T>G (p.Val2102Gly)

Gene: CHD7 (chromodomain helicase DNA binding protein 7; plus strand). Cytogenetic location: 8q12.2.
Variant type: single nucleotide variant.
Coding change: c.6305T>G on transcript NM_017780.4 (MANE Select); coding-DNA position 6305, T replaced by G.
Protein change: p.Val2102Gly; replaces valine 2102 with glycine.
Molecular consequence: missense variant. On other transcripts: intron variant (1).
Genome position (GRCh38, 1-based): chr8:60,853,030, T>G. VCF-style: chr8-60853030-T-G. GRCh37 (hg19) VCF-style: chr8-61765589-T-G.
Other names: c.1717-9199T>G (NM_001316690.1); short protein forms V2102G.
Identifiers: ClinVar variation 2955442 (VCV002955442.5), dbSNP rs368145189, ClinGen allele CA177354076.
Genomic context (GRCh38, chr8:60,853,030, plus strand): 5'-AGCCAAGCTTGGATCTGCCAGAGTGGTGGGAGTGTGGACGGCATGACCGAGACTTGCTGG[T>G]TGGTGCTGCTAAACACGGGGTCAGTCGGACGGATTATCACATCCTCAATGACCCTGAGTT-3'
Protein context (NP_060250.2, residues 2092-2112): ECGRHDRDLL[Val2102Gly]GAAKHGVSRT

ClinVar aggregate classification (germline): Uncertain significance. Review status: criteria provided, multiple submitters, no conflicts (2 of 4 stars). 2 submissions from 2 submitters: Uncertain significance (2). Last evaluated 2026-10-02.

Conditions:
CHARGE syndrome (CHARGE). Also called: Hittner Hirsch Kreh syndrome; CHARGE ASSOCIATION--COLOBOMA, HEART ANOMALY, CHOANAL ATRESIA, RETARDATION, GENITAL AND EAR ANOMALIES; Coloboma, heart anomaly, choanal atresia, retardation, genital and ear anomalies; CHARGE association; Hall-Hittner syndrome. Identifiers: Orphanet 138, MedGen C0265354, MONDO:0008965.

Allele frequency attached by ClinVar (database versions not stated): gnomAD exomes below 0.00001; ESP Exome Variant Server 0.00008.
gnomAD v4.1: 1 of 1,613,802 alleles (0.000062%); highest among the groups gnomAD compares: Non-Finnish European, 0.000085%; no homozygotes.

Submissions (2):

GeneDx
Classification: Uncertain significance. Last evaluated: 2026-10-02. Review status: criteria provided, single submitter. Criteria: GeneDx Variant Classification Process June 2021. Collection method: clinical testing. Allele origin: germline.
Comment: Not observed at significant frequency in large population cohorts (gnomAD); In silico analysis supports that this missense variant has a deleterious effect on protein structure/function; Has not been previously published as pathogenic or benign to our knowledge

Labcorp Genetics (formerly Invitae), Labcorp
Classification: Uncertain significance for CHARGE syndrome. Last evaluated: 2023-08-04. Review status: criteria provided, single submitter. Criteria: Invitae Variant Classification Sherloc (09022015). Collection method: clinical testing. Allele origin: germline.
Comment: This sequence change replaces valine, which is neutral and non-polar, with glycine, which is neutral and non-polar, at codon 2102 of the CHD7 protein (p.Val2102Gly). In summary, the available evidence is currently insufficient to determine the role of this variant in disease. Therefore, it has been classified as a Variant of Uncertain Significance. Advanced modeling of protein sequence and biophysical properties (such as structural, functional, and spatial information, amino acid conservation, physicochemical variation, residue mobility, and thermodynamic stability) performed at Invitae indicates that this missense variant is not expected to disrupt CHD7 protein function. This variant has not been reported in the literature in individuals affected with CHD7-related conditions. This variant is not present in population databases (gnomAD no frequency).